The following is an entry in ClinVar:

NM_007294.4(BRCA1):c.1310_1313del (p.His437fs)

Gene: BRCA1 (BRCA1 DNA repair associated; minus strand). Cytogenetic location: 17q21.31.
Variant type: Deletion.
Coding change: c.1310_1313del on transcript NM_007294.4 (MANE Select); coding-DNA positions 1310 to 1313, 4 bases deleted (ATGA; older notation c.1310_1313delATGA).
Protein change: p.His437fs; shifts the reading frame from histidine 437.
Molecular consequence: frameshift variant. On other transcripts: intron variant (137).
Genome position (GRCh38, 1-based): chr17:43,094,218-43,094,221, TCAT deleted on the plus strand (ATGA on the coding strand, the reverse complement: BRCA1 is on the minus strand). VCF-style (leftmost placement, unchanged base first): chr17-43094217-CTCAT-C. GRCh37 (hg19) VCF-style: chr17-41246234-CTCAT-C.
Other names: c.1097_1100del, p.His366fs (NM_001407571.1, NM_001407853.1, NM_001407894.1 and 9 more transcripts); c.1310_1313del, p.His437fs (NM_001407581.1, NM_001407582.1, NM_001407583.1 and 30 more transcripts); c.1307_1310del, p.His436fs (NM_001407587.1, NM_001407590.1, NM_001407591.1 and 22 more transcripts); c.1301_1304del, p.His434fs (NM_001407646.1, NM_001407647.1); c.1187_1190del, p.His396fs (NM_001407648.1, NM_001407664.1, NM_001407665.1 and 19 more transcripts); c.1184_1187del, p.His395fs (NM_001407649.1, NM_001407685.1, NM_001407686.1 and 11 more transcripts); c.1229_1232del, p.His410fs (NM_001407662.1, NM_001407659.1, NM_001407660.1 and 1 more transcripts); c.1232_1235del, p.His411fs (NM_001407663.1, NM_001407653.1, NM_001407654.1 and 4 more transcripts); and 40 more; short protein forms H437fs, H390fs, H269fs, H309fs, H366fs, H367fs, H389fs, H410fs.
Identifiers: ClinVar variation 433697 (VCV000433697.2), dbSNP rs1555591959, ClinGen allele CA645373207.
Genomic context (GRCh38, chr17:43,094,217, plus strand): 5'-GTCTTCAATATTACTCTCTACTGATTTGGAGTGAACTCTTTCACTTTTACATATTAAAGC[CTCAT>C]GAGGATCACTGGCCAGTAAGTCTATTTTCTCTGAAGAACCAGAATATTCATCTACCTCAT-3'

ClinVar aggregate classification (germline): Pathogenic. Review status: reviewed by expert panel (3 of 4 stars). 2 submissions from 2 submitters: Pathogenic (1). 1 of the submissions does not count toward it. Last evaluated 2017-12-15.

Conditions:
Hereditary breast ovarian cancer syndrome. Also called: Hereditary breast and ovarian cancer syndrome (HBOC); BRCA1- and BRCA2-Associated Hereditary Breast and Ovarian Cancer; Hereditary breast and/or ovarian cancer syndrome; Hereditary breast and ovarian cancer syndrome; Hereditary breast and ovarian cancer; Breast and ovarian cancer. Identifiers: Orphanet 145, MedGen C0677776, MeSH D061325, MONDO:0003582. Disease mechanism: loss of function.
Breast-ovarian cancer, familial, susceptibility to, 1 (BROVCA1). Also called: BRCA1 Hereditary Breast and Ovarian Cancer; OVARIAN CANCER, SUSCEPTIBILITY TO. Identifiers: Orphanet 145, MedGen C2676676, MONDO:0011450, OMIM 604370. Disease mechanism: loss of function.

Submissions (2):

Evidence-based Network for the Interpretation of Germline Mutant Alleles (ENIGMA)
Classification: Pathogenic for Breast-ovarian cancer, familial, susceptibility to, 1. Last evaluated: 2017-12-15. Review status: reviewed by expert panel. Criteria: ENIGMA BRCA1/2 Classification Criteria (2017-06-29). Collection method: curation. Allele origin: germline. Study: ENIGMA.
Comment: Variant allele predicted to encode a truncated non-functional protein.

Department of Pathology and Laboratory Medicine, Sinai Health System
Classification: Pathogenic for Hereditary breast ovarian cancer syndrome. Review status: criteria provided, single submitter. Criteria: ACMG Guidelines, 2015. Collection method: clinical testing. Allele origin: germline. Affected: yes. Study: The Canadian Open Genetics Repository (COGR). Not counted in ClinVar's aggregate classification.